The following is an entry in ClinVar:

NM_005989.4(AKR1D1):c.350dup (p.Tyr117Ter)

Gene: AKR1D1 (aldo-keto reductase family 1 member D1; plus strand). Cytogenetic location: 7q33.
Variant type: Duplication.
Coding change: c.350dup on transcript NM_005989.4 (MANE Select); coding-DNA position 350, one base duplicated (A; older notation c.350dupA).
Protein change: p.Tyr117Ter; replaces tyrosine 117 with a stop codon.
Molecular consequence: nonsense.
Genome position (GRCh38, 1-based): chr7:138,091,856, A duplicated. VCF-style (leftmost placement, unchanged base first): chr7-138091855-T-TA. GRCh37 (hg19) VCF-style: chr7-137776601-T-TA.
Other names: c.350dup, p.Tyr117Ter (NM_001190906.2, NM_001190907.2); short protein forms Y117*.
Identifiers: ClinVar variation 4774003 (VCV004774003.1).

ClinVar aggregate classification (germline): Pathogenic (1 of 4 stars; one submission).

Submission:

Labcorp Genetics (formerly Invitae), Labcorp
Classification: Pathogenic. Last evaluated: 2026-01-20. Review status: criteria provided, single submitter. Criteria: Invitae Variant Classification Sherloc (09022015). Collection method: clinical testing. Allele origin: germline.
Comment: This sequence change creates a premature translational stop signal (p.Tyr117*) in the AKR1D1 gene. It is expected to result in an absent or disrupted protein product. Loss-of-function variants in AKR1D1 are known to be pathogenic (PMID: 12970144, 19175828, 20522910, 21185810, 23679950). This variant is not present in population databases (gnomAD no frequency). This variant has not been reported in the literature in individuals affected with AKR1D1-related conditions. For these reasons, this variant has been classified as Pathogenic.

Literature cited by the submitters: PubMed 12970144; PubMed 19175828; PubMed 20522910; PubMed 21185810; PubMed 23679950.